The following is an entry in ClinVar:

ClinVar aggregate classification (germline): Uncertain significance (1 of 4 stars; one submission).

Allele frequency attached by ClinVar (database versions not stated): gnomAD exomes below 0.00001; ExAC 0.00001; gnomAD 0.00001; TOPMed 0.00001; ESP Exome Variant Server 0.00008.
gnomAD v4.1: 6 of 1,613,844 alleles (0.00037%); highest among the groups gnomAD compares: African/African-American, 0.0027%; no homozygotes.

Submission:

Labcorp Genetics (formerly Invitae), Labcorp
Classification: Uncertain significance. Last evaluated: 2022-07-25. Review status: criteria provided, single submitter. Criteria: Invitae Variant Classification Sherloc (09022015). Collection method: clinical testing. Allele origin: germline.
Comment: In summary, the available evidence is currently insufficient to determine the role of this variant in disease. Therefore, it has been classified as a Variant of Uncertain Significance. Algorithms developed to predict the effect of missense changes on protein structure and function (SIFT, PolyPhen-2, Align-GVGD) all suggest that this variant is likely to be tolerated. This variant has not been reported in the literature in individuals affected with SLC22A4-related conditions. This variant is present in population databases (rs372949734, gnomAD 0.004%). This sequence change replaces asparagine, which is neutral and polar, with serine, which is neutral and polar, at codon 32 of the SLC22A4 protein (p.Asn32Ser).

NM_003059.3(SLC22A4):c.95A>G (p.Asn32Ser)

Gene: SLC22A4 (solute carrier family 22 member 4; plus strand). Cytogenetic location: 5q31.1.
Variant type: single nucleotide variant.
Coding change: c.95A>G on transcript NM_003059.3 (MANE Select); coding-DNA position 95, A replaced by G.
Protein change: p.Asn32Ser; replaces asparagine 32 with serine.
Molecular consequence: missense variant.
Genome position (GRCh38, 1-based): chr5:132,294,711, A>G. VCF-style: chr5-132294711-A-G. GRCh37 (hg19) VCF-style: chr5-131630404-A-G.
Other names: short protein forms N32S.
Identifiers: ClinVar variation 2088075 (VCV002088075.4), dbSNP rs372949734, ClinGen allele CA3403301.